The following is an entry in ClinVar:

NM_015631.6(TCTN3):c.101C>A (p.Thr34Lys)

Genes: TCTN3 (tectonic family member 3; minus strand), LOC130004408 (ATAC-STARR-seq lymphoblastoid active region 3801; plus strand). Cytogenetic location: 10q24.1.
Variant type: single nucleotide variant.
Coding change: c.101C>A on transcript NM_015631.6 (MANE Select); coding-DNA position 101, C replaced by A.
Protein change: p.Thr34Lys; replaces threonine 34 with lysine.
Molecular consequence: missense variant.
Genome position (GRCh38, 1-based): chr10:95,693,799, G>T on the plus strand (C>A on the coding strand, the complement: TCTN3 is on the minus strand). VCF-style: chr10-95693799-G-T. GRCh37 (hg19) VCF-style: chr10-97453556-G-T.
Other names: c.155C>A, p.Thr52Lys (NM_001013840.1); c.101C>A, p.Thr34Lys (NM_001143973.2, NM_001410982.1); short protein forms T34K, T52K.
Identifiers: ClinVar variation 2115690 (VCV002115690.3), dbSNP rs2097956188, ClinGen allele CA377713887.

ClinVar aggregate classification (germline): Uncertain significance (1 of 4 stars; one submission).

Conditions:
Joubert syndrome 18 (JBTS18). Identifiers: Orphanet 2754, MedGen C3553758, MONDO:0013896, OMIM 614815.
Orofacial-digital syndrome IV (OFD4). Also called: BARAITSER-BURN SYNDROME; OFD SYNDROME WITH TIBIAL DEFECTS; OFD SYNDROME, BARAITSER-BURN TYPE; OFDS IV; ORAL-FACIAL-DIGITAL SYNDROME, TYPE IV; Orofaciodigital syndrome IV. Identifiers: Orphanet 2753, MedGen C0406727, MONDO:0009794, OMIM 258860.

Allele frequency attached by ClinVar (database versions not stated): gnomAD exomes 0.00003.
gnomAD v4.1: 14 of 1,551,696 alleles (0.0009%); highest among the groups gnomAD compares: East Asian, 0.034%; no homozygotes.

Submission:

Labcorp Genetics (formerly Invitae), Labcorp
Classification: Uncertain significance for Joubert syndrome 18; Orofacial-digital syndrome IV. Last evaluated: 2022-08-03. Review status: criteria provided, single submitter. Criteria: Invitae Variant Classification Sherloc (09022015). Collection method: clinical testing. Allele origin: germline.
Comment: In summary, the available evidence is currently insufficient to determine the role of this variant in disease. Therefore, it has been classified as a Variant of Uncertain Significance. Algorithms developed to predict the effect of missense changes on protein structure and function are either unavailable or do not agree on the potential impact of this missense change (SIFT: "Deleterious"; PolyPhen-2: "Possibly Damaging"; Align-GVGD: "Class C0"). This variant has not been reported in the literature in individuals affected with TCTN3-related conditions. This variant is not present in population databases (gnomAD no frequency). This sequence change replaces threonine, which is neutral and polar, with lysine, which is basic and polar, at codon 34 of the TCTN3 protein (p.Thr34Lys).